The following is an entry in ClinVar:

NM_000384.3(APOB):c.7521C>A (p.His2507Gln)

Gene: APOB (apolipoprotein B; minus strand). Cytogenetic location: 2p24.1.
Variant type: single nucleotide variant.
Coding change: c.7521C>A on transcript NM_000384.3 (MANE Select); coding-DNA position 7521, C replaced by A.
Protein change: p.His2507Gln; replaces histidine 2507 with glutamine.
Molecular consequence: missense variant.
Genome position (GRCh38, 1-based): chr2:21,009,347, G>T on the plus strand (C>A on the coding strand, the complement: APOB is on the minus strand). VCF-style: chr2-21009347-G-T. GRCh37 (hg19) VCF-style: chr2-21232219-G-T.
Other names: short protein forms H2507Q.
Identifiers: ClinVar variation 4794167 (VCV004794167.1).

ClinVar aggregate classification (germline): Uncertain significance (1 of 4 stars; one submission).

Conditions:
Familial hypobetalipoproteinemia 1. Also called: Hypobetalipoproteinemia, normotriglyceridemic; Acanthocytosis with hypobetalipoproteinemia; APOB-Related Familial Hypobetalipoproteinemia. Identifiers: MedGen C4551990, MONDO:0014252, OMIM 615558.
Hypercholesterolemia, autosomal dominant, type B (FHCL2). Also called: Familial Hypercholesterolemia Type B; APOLIPOPROTEIN B-100, FAMILIAL DEFECTIVE; APOLIPOPROTEIN B-100, FAMILIAL LIGAND-DEFECTIVE; HYPERCHOLESTEROLEMIA, FAMILIAL, DUE TO LIGAND-DEFECTIVE APOLIPOPROTEIN B; APOB-Related Familial Hypercholesterolemia, Autosomal Dominant; Hyperlipoproteinemia Type IIb. Identifiers: MedGen C1704417, MONDO:0007751, OMIM 144010.

Submission:

Labcorp Genetics (formerly Invitae), Labcorp
Classification: Uncertain significance for Familial hypobetalipoproteinemia 1; Hypercholesterolemia, autosomal dominant, type B. Last evaluated: 2025-09-29. Review status: criteria provided, single submitter. Criteria: Invitae Variant Classification Sherloc (09022015). Collection method: clinical testing. Allele origin: germline.
Comment: This sequence change replaces histidine, which is basic and polar, with glutamine, which is neutral and polar, at codon 2507 of the APOB protein (p.His2507Gln). This variant is not present in population databases (gnomAD no frequency). This variant has not been reported in the literature in individuals affected with APOB-related conditions. Invitae Evidence Modeling of protein sequence and biophysical properties (such as structural, functional, and spatial information, amino acid conservation, physicochemical variation, residue mobility, and thermodynamic stability) indicates that this missense variant is not expected to disrupt APOB protein function with a negative predictive value of 95%. In summary, the available evidence is currently insufficient to determine the role of this variant in disease. Therefore, it has been classified as a Variant of Uncertain Significance.